The following is an entry in ClinVar:

ClinVar aggregate classification (germline): Uncertain significance (1 of 4 stars; one submission).

Allele frequency attached by ClinVar (database versions not stated): gnomAD 0.00001; gnomAD exomes below 0.00001; TOPMed 0.00001.
gnomAD v4.1: 3 of 1,614,028 alleles (0.00019%); highest among the groups gnomAD compares: Admixed American, 0.0033%; no homozygotes.

Submission:

GeneDx
Classification: Uncertain significance. Last evaluated: 2021-06-28. Review status: criteria provided, single submitter. Criteria: GeneDx Variant Classification Process June 2021. Collection method: clinical testing. Allele origin: germline. Affected: yes.
Comment: Not observed at significant frequency in large population cohorts (Lek et al., 2016); In silico analysis supports that this missense variant does not alter protein structure/function; Has not been previously published as pathogenic or benign to our knowledge; In silico analysis, which includes splice predictors and evolutionary conservation, suggests this variant may impact gene splicing. In the absence of RNA/functional studies, the actual effect of this sequence change is unknown.; This variant is associated with the following publications: (PMID: 27535533)

NM_001378454.1(ALMS1):c.9461C>G (p.Thr3154Ser)

Gene: ALMS1 (ALMS1 centrosome and basal body associated protein; plus strand). Cytogenetic location: 2p13.1.
Variant type: single nucleotide variant.
Coding change: c.9461C>G on transcript NM_001378454.1 (MANE Select); coding-DNA position 9461, C replaced by G.
Protein change: p.Thr3154Ser; replaces threonine 3154 with serine.
Molecular consequence: missense variant.
Genome position (GRCh38, 1-based): chr2:73,491,420, C>G. VCF-style: chr2-73491420-C-G. GRCh37 (hg19) VCF-style: chr2-73718547-C-G.
Other names: c.9464C>G, p.Thr3155Ser (NM_015120.4); short protein forms T3154S, T3155S.
Identifiers: ClinVar variation 1197890 (VCV001197890.2), dbSNP rs1377763374, ClinGen allele CA347275198.